The following is an entry in ClinVar:

NM_001171.6(ABCC6):c.3735+3G>A

Gene: ABCC6 (ATP binding cassette subfamily C member 6; minus strand). Cytogenetic location: 16p13.11.
Variant type: single nucleotide variant.
Coding change: c.3735+3G>A on transcript NM_001171.6 (MANE Select); 3 bases into the intron after coding-DNA position 3735, G replaced by A.
Molecular consequence: intron variant.
Genome position (GRCh38, 1-based): chr16:16,159,479, C>T on the plus strand (G>A on the coding strand, the complement: ABCC6 is on the minus strand). VCF-style: chr16-16159479-C-T. GRCh37 (hg19) VCF-style: chr16-16253336-C-T.
Other names: c.3393+3G>A (NM_001351800.1).
Identifiers: ClinVar variation 1912135 (VCV001912135.3), dbSNP rs201806988, ClinGen allele CA7925473.

ClinVar aggregate classification (germline): Conflicting classifications of pathogenicity. Review status: criteria provided, conflicting classifications (1 of 4 stars). 2 submissions from 2 submitters: Uncertain significance (1); Likely benign (1). Last evaluated 2021-12-25.

Allele frequency attached by ClinVar (database versions not stated): gnomAD 0.00001; 1000 Genomes Project 0.00020; 1000 Genomes Project 30x 0.00062.

Submissions (2):

Labcorp Genetics (formerly Invitae), Labcorp
Classification: Uncertain significance. Last evaluated: 2021-12-25. Review status: criteria provided, single submitter. Criteria: Invitae Variant Classification Sherloc (09022015). Collection method: clinical testing. Allele origin: germline.
Comment: This sequence change falls in intron 26 of the ABCC6 gene. It does not directly change the encoded amino acid sequence of the ABCC6 protein. It affects a nucleotide within the consensus splice site. This variant is present in population databases (rs201806988, gnomAD 0.02%). This variant has not been reported in the literature in individuals affected with ABCC6-related conditions. Variants that disrupt the consensus splice site are a relatively common cause of aberrant splicing (PMID: 17576681, 9536098). Algorithms developed to predict the effect of sequence changes on RNA splicing suggest that this variant may create or strengthen a splice site. In summary, the available evidence is currently insufficient to determine the role of this variant in disease. Therefore, it has been classified as a Variant of Uncertain Significance.

Blueprint Genetics
Classification: Likely benign. Last evaluated: 2021-11-02. Review status: criteria provided, single submitter. Criteria: ACMG Guidelines, 2015. Collection method: clinical testing. Allele origin: germline.

Literature cited by the submitters: PubMed 17576681 (cited by Labcorp Genetics (formerly Invitae), Labcorp); PubMed 9536098 (cited by Labcorp Genetics (formerly Invitae), Labcorp).